The following is an entry in ClinVar:

ClinVar aggregate classification (germline): Conflicting classifications of pathogenicity. Review status: criteria provided, conflicting classifications (1 of 4 stars). 4 submissions from 4 submitters: Uncertain significance (2); Likely benign (2). Last evaluated 2025-09-01.

Conditions:
Inborn genetic diseases. Identifiers: MedGen C0950123, MeSH D030342.
Charcot-Marie-Tooth disease type 2B (CMT2B). Also called: CHARCOT-MARIE-TOOTH DISEASE, AXONAL, TYPE 2B; CHARCOT-MARIE-TOOTH DISEASE, AUTOSOMAL DOMINANT, TYPE 2B; HEREDITARY MOTOR AND SENSORY NEUROPATHY IIB; Charcot-Marie-Tooth Neuropathy Type 2B. Identifiers: Orphanet 99936, MedGen C1833219, MONDO:0010949, OMIM 600882.

Allele frequency attached by ClinVar (database versions not stated): TOPMed 0.00002; gnomAD 0.00003 and 0.00004; ExAC 0.00004; gnomAD exomes 0.00004 and 0.00006; ESP Exome Variant Server 0.00008.
gnomAD v4.1: 84 of 1,614,060 alleles (0.0052%); highest among the groups gnomAD compares: Non-Finnish European, 0.0069%; no homozygotes.

Submissions (4):

CeGaT Center for Human Genetics Tuebingen
Classification: Likely benign. Last evaluated: 2025-09-01. Review status: criteria provided, single submitter. Criteria: CeGaT Center For Human Genetics Tuebingen Variant Classification Criteria Version 2. Collection method: clinical testing. Allele origin: germline. Affected: yes. Observed: 1 variant allele.
Comment: RAB7A: BP4

Labcorp Genetics (formerly Invitae), Labcorp
Classification: Uncertain significance for Charcot-Marie-Tooth disease type 2B. Last evaluated: 2024-10-04. Review status: criteria provided, single submitter. Criteria: Invitae Variant Classification Sherloc (09022015). Collection method: clinical testing. Allele origin: germline.
Comment: This sequence change replaces isoleucine, which is neutral and non-polar, with valine, which is neutral and non-polar, at codon 190 of the RAB7A protein (p.Ile190Val). This variant is present in population databases (rs147480945, gnomAD 0.007%). This variant has not been reported in the literature in individuals affected with RAB7A-related conditions. ClinVar contains an entry for this variant (Variation ID: 574067). An algorithm developed to predict the effect of missense changes on protein structure and function (PolyPhen-2) suggests that this variant is likely to be tolerated. In summary, the available evidence is currently insufficient to determine the role of this variant in disease. Therefore, it has been classified as a Variant of Uncertain Significance.

Ambry Genetics
Classification: Likely benign for Inborn genetic diseases. Last evaluated: 2019-12-18. Review status: criteria provided, single submitter. Criteria: Ambry Variant Classification Scheme 2023. Collection method: clinical testing. Allele origin: germline.

Illumina Laboratory Services, Illumina
Classification: Uncertain significance for Charcot-Marie-Tooth disease type 2B. Last evaluated: 2018-01-12. Review status: criteria provided, single submitter. Criteria: ICSL Variant Classification Criteria 13 December 2019. Collection method: clinical testing. Allele origin: germline.

NM_004637.6(RAB7A):c.568A>G (p.Ile190Val)

Genes: RAB7A (RAB7A, member RAS oncogene family; plus strand), LOC112872299 (Sharpr-MPRA regulatory region 6458; plus strand). Cytogenetic location: 3q21.3.
Variant type: single nucleotide variant.
Coding change: c.568A>G on transcript NM_004637.6 (MANE Select); coding-DNA position 568, A replaced by G.
Protein change: p.Ile190Val; replaces isoleucine 190 with valine.
Molecular consequence: missense variant.
Genome position (GRCh38, 1-based): chr3:128,813,366, A>G. VCF-style: chr3-128813366-A-G. GRCh37 (hg19) VCF-style: chr3-128532209-A-G.
Other names: short protein forms I190V.
Identifiers: ClinVar variation 574067 (VCV000574067.24), dbSNP rs147480945, ClinGen allele CA2600883.
Genomic context (GRCh38, chr3:128,813,366, plus strand): 5'-TTTCTCTGTTTCCTTGTCCAGGAAACGGAGGTGGAGCTGTACAACGAATTTCCTGAACCT[A>G]TCAAACTGGACAAGAATGACCGGGCCAAGGCCTCGGCAGAAAGCTGCAGTTGCTGAGGGG-3'
Protein context (NP_004628.4, residues 180-200): VELYNEFPEP[Ile190Val]KLDKNDRAKA